The following is an entry in ClinVar:

NM_000186.4(CFH):c.1519+7A>G

Gene: CFH (complement factor H; plus strand). Cytogenetic location: 1q31.3.
Variant type: single nucleotide variant.
Coding change: c.1519+7A>G on transcript NM_000186.4 (MANE Select); 7 bases into the intron after coding-DNA position 1519, A replaced by G.
Molecular consequence: intron variant.
Genome position (GRCh38, 1-based): chr1:196,713,924, A>G. VCF-style: chr1-196713924-A-G. GRCh37 (hg19) VCF-style: chr1-196683054-A-G.
Other names: p.?; c.1519+7A>G (NM_000186.3).
Identifiers: ClinVar variation 2065583 (VCV002065583.8), dbSNP rs139271639, ClinGen allele CA1305409.
Genomic context (GRCh38, chr1:196,713,924, plus strand): 5'-CAGGATCAATTACATGTGGGAAAGATGGATGGTCAGCTCAACCCACGTGCATTAGTAAGT[A>G]ATTTATTATGTTTGTATTGATTATCCAGATGATACACAAAAGTTTACTAACTTTAGTCTT-3'

ClinVar aggregate classification (germline): Likely benign. Review status: criteria provided, multiple submitters, no conflicts (2 of 4 stars). 4 submissions from 4 submitters: Likely benign (3). 1 of the submissions does not count toward it. Last evaluated 2026-01-27.

Conditions:
CFH-related disorder. Also called: CFH-related condition; CFH-related disorders.

Allele frequency attached by ClinVar (database versions not stated): gnomAD exomes 0.00003; ExAC 0.00009; 1000 Genomes Project 30x 0.00016; 1000 Genomes Project 0.00020; ESP Exome Variant Server 0.00031; gnomAD 0.00031; TOPMed 0.00031.
gnomAD v4.1: 89 of 1,610,198 alleles (0.0055%); highest among the groups gnomAD compares: African/African-American, 0.1%; no homozygotes.

Submissions (4):

Labcorp Genetics (formerly Invitae), Labcorp
Classification: Likely benign. Last evaluated: 2026-01-27. Review status: criteria provided, single submitter. Criteria: Invitae Variant Classification Sherloc (09022015). Collection method: clinical testing. Allele origin: germline.

Mayo Clinic Laboratories, Mayo Clinic
Classification: Likely benign. Last evaluated: 2025-07-30. Review status: criteria provided, single submitter. Criteria: ACMG Guidelines, 2015. Collection method: clinical testing. Allele origin: germline. Observed: 5 variant alleles.
Comment: BP4, BP7

Women's Health and Genetics/Laboratory Corporation of America, LabCorp
Classification: Likely benign. Last evaluated: 2025-06-19. Review status: criteria provided, single submitter. Criteria: LabCorp Variant Classification Summary - May 2015. Collection method: clinical testing. Allele origin: germline.

PreventionGenetics, part of Exact Sciences
Classification: Likely benign for CFH-related condition. Last evaluated: 2019-09-13. Review status: no assertion criteria provided. Collection method: clinical testing. Allele origin: germline. Not counted in ClinVar's aggregate classification.
Comment: This variant is classified as likely benign based on ACMG/AMP sequence variant interpretation guidelines (Richards et al. 2015 PMID: 25741868, with internal and published modifications).